The following is an entry in ClinVar:

NC_000008.11:g.8174929_10727966del

Genes: C8orf74 (chromosome 8 open reading frame 74), CLDN23 (claudin 23), CRE3 (CRE3 CAGE-defined tissue-specific enhancer), ERI1 (exoribonuclease 1), FAM85B (family with sequence similarity 85 member B) and 90 more. Cytogenetic location: 8p23.1.
Variant type: Deletion.
Identifiers: ClinVar variation 4849573 (VCV004849573.1).

ClinVar aggregate classification (germline): Likely pathogenic (1 of 4 stars; one submission).

Conditions:
8p23.1 microdeletion syndrome. Identifiers: Orphanet 251071, MedGen C2931638, MONDO:0016658.

Submission:

Department of Genetic and Genomic Medicine, National Cheng Kung University Hospital
Classification: Likely pathogenic for 8p23.1 microdeletion syndrome. Last evaluated: 2026-04-28. Review status: criteria provided, single submitter. Criteria: ACMG/ClinGen CNV Guidelines, 2019. Collection method: clinical testing. Allele origin: de novo. Affected: yes.
Comment: This variant is a ~2.55 Mb copy-number loss at chr8:8,174,929-10,727,966 (GRCh38) involving 8p23.1. The deletion partially overlaps the 8p23.1 microdeletion region and includes 11 protein-coding genes, including SOX7 and TNKS, while sparing GATA4. Classification was performed according to the ACMG/ClinGen technical standards for constitutional copy-number loss interpretation. Although the deletion only partially overlaps the established 8p23.1 haploinsufficient region and therefore does not meet criterion 2A, multiple pathogenic or likely pathogenic copy-number losses reported in ClinVar and DECIPHER are fully contained within the proband’s deleted interval, including ClinVar Variation IDs 4526777, 545352, 545372, and 60347, and DECIPHER patients 332681 and 323624. These nested deletions support a clinically relevant dosage-sensitive subregion within the interval. In the context of the proband’s phenotype, these findings support a Likely Pathogenic classification.

Literature cited by the submitters: PubMed 36067875; PubMed 20969981; PubMed 30208311.